The following is an entry in ClinVar:

ClinVar aggregate classification (germline): Likely benign. Review status: criteria provided, multiple submitters, no conflicts (2 of 4 stars). 14 submissions from 14 submitters: Likely benign (10). 4 of the submissions do not count toward it. Last evaluated 2026-01-31.

Conditions:
Hereditary cancer-predisposing syndrome. Also called: Hereditary Cancer Syndrome; Hereditary neoplastic syndrome; Neoplastic Syndromes, Hereditary; Tumor predisposition. Identifiers: Orphanet 140162, MedGen C0027672, MeSH D009386, MONDO:0015356.
Breast-ovarian cancer, familial, susceptibility to, 1 (BROVCA1). Also called: BRCA1 Hereditary Breast and Ovarian Cancer; OVARIAN CANCER, SUSCEPTIBILITY TO. Identifiers: Orphanet 145, MedGen C2676676, MONDO:0011450, OMIM 604370. Disease mechanism: loss of function.
Malignant tumor of breast. Also called: Cancer breast; Malignant breast neoplasm. Identifiers: MedGen C0006142, MONDO:0007254. Disease mechanism: loss of function.
BRCA1-related disorder. Also called: BRCA1-related condition.
Hereditary breast ovarian cancer syndrome. Also called: BRCA1- and BRCA2-Associated Hereditary Breast and Ovarian Cancer; Hereditary breast and ovarian cancer syndrome; Hereditary breast and ovarian cancer syndrome (HBOC); Breast and ovarian cancer; Hereditary breast and/or ovarian cancer syndrome; Hereditary breast and ovarian cancer. Identifiers: Orphanet 145, MedGen C0677776, MeSH D061325, MONDO:0003582. Disease mechanism: loss of function.

Allele frequency attached by ClinVar (database versions not stated): ExAC 0.00002; gnomAD exomes 0.00001 and 0.00002; gnomAD 0.00001; TOPMed 0.00001.
gnomAD v4.1: 23 of 1,614,126 alleles (0.0014%); highest among the groups gnomAD compares: Admixed American, 0.0033%; no homozygotes.

Submissions (14):

Labcorp Genetics (formerly Invitae), Labcorp
Classification: Likely benign for Hereditary breast ovarian cancer syndrome. Last evaluated: 2026-01-31. Review status: criteria provided, single submitter. Criteria: Invitae Variant Classification Sherloc (09022015). Collection method: clinical testing. Allele origin: germline.

PreventionGenetics, part of Exact Sciences
Classification: Likely benign for BRCA1-related condition. Last evaluated: 2026-01-26. Review status: criteria provided, single submitter. Criteria: ACMG Guidelines, 2015. Collection method: clinical testing. Allele origin: germline.
Comment: This variant is classified as likely benign based on ACMG/AMP sequence variant interpretation guidelines (Richards et al. 2015 PMID: 25741868, with internal and published modifications).

Quest Diagnostics Nichols Institute San Juan Capistrano
Classification: Likely benign. Last evaluated: 2025-09-16. Review status: criteria provided, single submitter. Criteria: Quest Diagnostics criteria. Collection method: clinical testing. Allele origin: unknown.

Molecular Diagnostics Laboratory, Catalan Institute of Oncology
Classification: Likely benign for Hereditary cancer-predisposing syndrome. Last evaluated: 2025-05-20. Review status: criteria provided, single submitter. Criteria: ClinGen BRCA1BRCA2 ACMG Specifications BRCA1 V1.0.0. Collection method: clinical testing. Allele origin: germline.
Comment: BP1_Strong, BP5 c.3848A>G, located in exon 10 (11 according to BIC nomenclature) of the BRCA1 gene, is predicted to result in the substitution of histidine by arginine at codon 1283, p.(His1283Arg). This position is outside a (potentially) clinically important functional domain and the SpliceAI algorithm predicts no significant impact on splicing (BP1_Strong). This variant is found in 4/236598 in the gnomAD v2.1.1 database, exome non-cancer data set. To our knowledge, functional studies have not been performed for this variant. This variant has been reported in the ClinVar database (4x uncertain significance, 7x likely benign, 1x benign) and LOVD (1x uncertain significance, 3x not classified) and in BRCA Exchange database as not yet reviewed. Published clinical data for a multifactorial likelihood analysis (PMID: 31131967) showed a combined LR indicative of supporting evidence towards benign (LR 0.328), based on co-occurrence (LR 1.14) and family history (LR 0.17)(BP5). Based on currently available information, the variant c.3848A>G is classified as a likely benign according to ClinGen-BRCA1 and BRCA2 Guidelines version 1.0.0.

Women's Health and Genetics/Laboratory Corporation of America, LabCorp
Classification: Likely benign. Last evaluated: 2025-04-18. Review status: criteria provided, single submitter. Criteria: LabCorp Variant Classification Summary - May 2015. Collection method: clinical testing. Allele origin: germline.
Comment: Variant summary: BRCA1 c.3848A>G (p.His1283Arg) results in a non-conservative amino acid change in the encoded protein sequence. Four of five in-silico tools predict a benign effect of the variant on protein function. The variant allele was found at a frequency of 1.4e-05 in 1614126 control chromosomes (gnomAD v4.1). c.3848A>G has been observed in an individual(s) from a family affected with Hereditary Breast And Ovarian Cancer Syndrome without patient or cosegregation information (Judkins_2005). These report(s) do not provide unequivocal conclusions about association of the variant with Hereditary Breast And Ovarian Cancer Syndrome. At least one publication reports experimental evidence evaluating an impact on protein function (Nagy_2023). These results showed no damaging effect of this variant in HDR assays. A report from the CAGI5 (fifth Critical Assessment of Genome Interpretation) challenge has classified this variant as likely benign (Cline_2019). The following publications have been ascertained in the context of this evaluation (PMID: 16267036, 15385441, 23704879, 25348012, 26727311, 19616529, 37917606, 31294896). ClinVar contains an entry for this variant (Variation ID: 55028). Based on the evidence outlined above, the variant was classified as likely benign.

All of Us Research Program, National Institutes of Health
Classification: Likely benign for Breast-ovarian cancer, familial, susceptibility to, 1. Last evaluated: 2024-02-05. Review status: criteria provided, single submitter. Criteria: ACMG Guidelines, 2015. Collection method: clinical testing. Allele origin: germline. Inheritance: Autosomal dominant inheritance. Observed: 4 variant alleles, 4 heterozygotes.
Comment: This study involves interpretation of variants in research participants for the purpose of population health screening. Participant phenotype was not available at the time of variant classification. Additional details can be found in publication PMID: 35346344, PMCID: PMC8962531

University of Washington Department of Laboratory Medicine, University of Washington
Classification: Likely benign for Hereditary cancer-predisposing syndrome. Last evaluated: 2023-03-23. Review status: criteria provided, single submitter. Criteria: Dines et al. (Genet Med. 2020). Collection method: curation. Allele origin: germline.
Comment: Missense variant in a coldspot region where missense variants are very unlikely to be pathogenic (PMID:31911673).

BRCA1 coldspot (exon 11 using historical exon numbering). Reclassification based on statistical prior probability

Ambry Genetics
Classification: Likely benign for Hereditary cancer-predisposing syndrome. Last evaluated: 2021-09-02. Review status: criteria provided, single submitter. Criteria: Ambry Variant Classification Scheme 2023. Collection method: clinical testing. Allele origin: germline.

Color Diagnostics, LLC DBA Color Health
Classification: Likely benign for Hereditary cancer-predisposing syndrome. Last evaluated: 2017-09-22. Review status: criteria provided, single submitter. Criteria: ACMG Guidelines, 2015. Collection method: clinical testing. Allele origin: germline.

GeneDx
Classification: Likely benign. Last evaluated: 2017-06-30. Review status: criteria provided, single submitter. Criteria: GeneDx Variant Classification (06012015). Collection method: clinical testing. Allele origin: germline. Affected: yes.
Comment: This variant is considered likely benign or benign based on one or more of the following criteria: it is a conservative change, it occurs at a poorly conserved position in the protein, it is predicted to be benign by multiple in silico algorithms, and/or has population frequency not consistent with disease.

Counsyl
Classification: Uncertain significance for Breast-ovarian cancer, familial, susceptibility to, 1. Last evaluated: 2015-12-10. Review status: no assertion criteria provided. Collection method: clinical testing. Allele origin: unknown. Not counted in ClinVar's aggregate classification.

Sharing Clinical Reports Project (SCRP)
Classification: Likely benign for Breast-ovarian cancer, familial 1. Last evaluated: 2012-08-03. Review status: no assertion criteria provided. Collection method: clinical testing. Allele origin: germline. Not counted in ClinVar's aggregate classification.

Breast Cancer Information Core (BIC) (BRCA1)
Classification: Uncertain significance for Breast-ovarian cancer, familial 1. Last evaluated: 2002-05-29. Review status: no assertion criteria provided. Collection method: clinical testing. Allele origin: germline. Affected: yes. Observed: 2 variant alleles. Not counted in ClinVar's aggregate classification.

Department of Pathology and Laboratory Medicine, Sinai Health System
Classification: Uncertain significance for Malignant tumor of breast. Review status: no assertion criteria provided. Collection method: clinical testing. Allele origin: unknown. Affected: yes. Study: The Canadian Open Genetics Repository (COGR). Not counted in ClinVar's aggregate classification.
Comment: The BRCA1 p.His1283Arg variant was identified in the literature however the frequency of this variant in an affected population was not provided (Judkins 2005, Martelotto 2014). The variant was also identified in the following databases: dbSNP (ID: rs80357047) as "With other allele", ClinVar (2x likely benign, 3x uncertain significance), Clinvitae, UMD-LSDB (3x, unclassified variant), and the BIC Database (2x, clinical importance unknown). The variant was classified as a likely benign variant by the Sharing Clinical Reports Project (SCRP) (derived from Myriad reports). The variant was not identified in the COGR, Cosmic, MutDB, LOVD 3.0, ARUP Laboratories, or the Zhejiang University Database. The variant was identified in control databases in 5 of 276850 chromosomes at a frequency of 0.00002 (Genome Aggregation Database Feb 27, 2017). It was observed in the following populations: African in 1 of 24036 chromosomes (freq: 0.00004), Latino in 1 of 34414 chromosomes (freq: 0.00003), and European in 3 of 126356 chromosomes (freq: 0.00002). The variant was not observed in the Other, Ashkenazi Jewish, East Asian, Finnish, or South Asian populations. Studies by Judkins 2005 and Martelotto 2014 list this variant as unknown/unclassified. The p.His1283 residue is not conserved in mammals and computational analyses (PolyPhen-2, SIFT, AlignGVGD, BLOSUM, MutationTaster) do not suggest a high likelihood of impact to the protein; however, this information is not predictive enough to rule out pathogenicity. The variant occurs outside of the splicing consensus sequence and 1 of 5 in silico or computational prediction software programs (SpliceSiteFinder, MaxEntScan, NNSPLICE, GeneSplicer, HumanSpliceFinder) predict a greater than 10% difference in splicing; this is not very predictive of pathogenicity. In summary, based on the above information the clinical significance of this variant cannot be determined with certainty at this time. This variant is classified as a variant of uncertain significance.

Literature cited by the submitters: PubMed 26727311 (cited by Quest Diagnostics Nichols Institute San Juan Capistrano and Women's Health and Genetics/Laboratory Corporation of America, LabCorp); PubMed 15385441 (cited by 3 submitters); PubMed 16267036 (cited by 3 submitters); PubMed 25348012 (cited by Quest Diagnostics Nichols Institute San Juan Capistrano and Women's Health and Genetics/Laboratory Corporation of America, LabCorp); PubMed 33471991 (cited by Quest Diagnostics Nichols Institute San Juan Capistrano); PubMed 31131967 (cited by Quest Diagnostics Nichols Institute San Juan Capistrano and Ambry Genetics); PubMed 23704879 (cited by 3 submitters); PubMed 31911673 (cited by Quest Diagnostics Nichols Institute San Juan Capistrano); PubMed 37917606 (cited by Quest Diagnostics Nichols Institute San Juan Capistrano and Women's Health and Genetics/Laboratory Corporation of America, LabCorp); PubMed 30630528 (cited by Quest Diagnostics Nichols Institute San Juan Capistrano); PubMed 32885271 (cited by Quest Diagnostics Nichols Institute San Juan Capistrano); PubMed 19616529 (cited by Women's Health and Genetics/Laboratory Corporation of America, LabCorp and Ambry Genetics); PubMed 31294896 (cited by Women's Health and Genetics/Laboratory Corporation of America, LabCorp).

NM_007294.4(BRCA1):c.3848A>G (p.His1283Arg)

Genes: BRCA1 (BRCA1 DNA repair associated; minus strand), LOC126862571 (BRD4-independent group 4 enhancer GRCh37_chr17:41243136-41244335; plus strand). Cytogenetic location: 17q21.31.
Variant type: single nucleotide variant.
Coding change: c.3848A>G on transcript NM_007294.4 (MANE Select); coding-DNA position 3848, A replaced by G.
Protein change: p.His1283Arg; replaces histidine 1283 with arginine.
Molecular consequence: missense variant. On other transcripts: intron variant (135).
Genome position (GRCh38, 1-based): chr17:43,091,683, T>C on the plus strand (A>G on the coding strand, the complement: BRCA1 is on the minus strand). VCF-style: chr17-43091683-T-C. GRCh37 (hg19) VCF-style: chr17-41243700-T-C.
Other names: p.H1283R:CAT>CGT; 3967A>G; c.3848A>G, p.His1283Arg (NM_001407593.1, NM_001407594.1, NM_001407596.1 and 30 more transcripts); c.3845A>G, p.His1282Arg (NM_001407610.1, NM_001407611.1, NM_001407587.1 and 22 more transcripts); c.452-651A>G (NM_001408508.1, NM_001408509.1); c.575-651A>G (NM_001408491.1, NM_001408493.1, NM_001408490.1); c.461-651A>G (NM_001408506.1, NM_001408507.1); c.578-651A>G (NM_001408481.1, NM_001408480.1, NM_001408492.1 and 9 more transcripts); and 43 more; short protein forms H1283R, H1236R, H1280R, H1115R, H1155R, H1156R, H1195R, H1216R.
Identifiers: ClinVar variation 55028 (VCV000055028.33), dbSNP rs80357047, ClinGen allele CA002479.